The following is an entry in ClinVar:

ClinVar aggregate classification (germline): Likely pathogenic (1 of 4 stars; one submission).

Submission:

Labcorp Genetics (formerly Invitae), Labcorp
Classification: Likely pathogenic. Last evaluated: 2024-08-11. Review status: criteria provided, single submitter. Criteria: Invitae Variant Classification Sherloc (09022015). Collection method: clinical testing. Allele origin: germline.
Comment: This sequence change affects a donor splice site in intron 4 of the LTBP4 gene. It is expected to disrupt RNA splicing. Variants that disrupt the donor or acceptor splice site typically lead to a loss of protein function (PMID: 16199547), and loss-of-function variants in LTBP4 are known to be pathogenic (PMID: 19836010, 22829427). This variant is not present in population databases (gnomAD no frequency). This variant has not been reported in the literature in individuals affected with LTBP4-related conditions. Algorithms developed to predict the effect of sequence changes on RNA splicing suggest that this variant may disrupt the consensus splice site. In summary, the currently available evidence indicates that the variant is pathogenic, but additional data are needed to prove that conclusively. Therefore, this variant has been classified as Likely Pathogenic.

Literature cited by the submitters: PubMed 16199547; PubMed 19836010; PubMed 22829427.

NM_003573.2(LTBP4):c.340+1G>A

Gene: LTBP4 (latent transforming growth factor beta binding protein 4; plus strand). Cytogenetic location: 19q13.2.
Variant type: single nucleotide variant.
Coding change: c.340+1G>A on transcript NM_003573.2; the canonical splice donor site of the intron after coding-DNA position 340, G replaced by A.
Molecular consequence: splice donor variant.
Genome position (GRCh38, 1-based): chr19:40,600,178, G>A. VCF-style: chr19-40600178-G-A. GRCh37 (hg19) VCF-style: chr19-41106084-G-A.
Other names: c.451+1G>A (NM_001042544.1).
Identifiers: ClinVar variation 3680248 (VCV003680248.2).
Genomic context (GRCh38, chr19:40,600,178, plus strand): 5'-GGGGCCGGGGACTACTGAGAAGGAGGCCCCCACAGCGTGCCCCCGCTGGCAAGGCCCCGG[G>A]TAAGCACATCCGCCTTTCCTCCGCCTGGGGCGAGGGGGGTTCCGGGCCAGATAAAGCCGT-3'